The following is an entry in ClinVar:

NM_000661.5(RPL9):c.379C>T (p.Arg127Trp)

Gene: RPL9 (ribosomal protein L9; minus strand). Cytogenetic location: 4p14.
Variant type: single nucleotide variant.
Coding change: c.379C>T on transcript NM_000661.5 (MANE Select); coding-DNA position 379, C replaced by T.
Protein change: p.Arg127Trp; replaces arginine 127 with tryptophan.
Molecular consequence: missense variant.
Genome position (GRCh38, 1-based): chr4:39,456,418, G>A on the plus strand (C>T on the coding strand, the complement: RPL9 is on the minus strand). VCF-style: chr4-39456418-G-A. GRCh37 (hg19) VCF-style: chr4-39458038-G-A.
Other names: c.379C>T, p.Arg127Trp (NM_001024921.4); short protein forms R127W.
Identifiers: ClinVar variation 2721079 (VCV002721079.3), dbSNP rs202000648, ClinGen allele CA2894293.

ClinVar aggregate classification (germline): Uncertain significance (1 of 4 stars; one submission).

Allele frequency attached by ClinVar (database versions not stated): gnomAD 0.00001; TOPMed 0.00001; 1000 Genomes Project 0.00020; 1000 Genomes Project 30x 0.00031.

Submission:

Labcorp Genetics (formerly Invitae), Labcorp
Classification: Uncertain significance. Last evaluated: 2024-03-09. Review status: criteria provided, single submitter. Criteria: Invitae Variant Classification Sherloc (09022015). Collection method: clinical testing. Allele origin: germline.
Comment: This sequence change replaces arginine, which is basic and polar, with tryptophan, which is neutral and slightly polar, at codon 127 of the RPL9 protein (p.Arg127Trp). This variant is present in population databases (rs202000648, gnomAD 0.007%). This variant has not been reported in the literature in individuals affected with RPL9-related conditions. An algorithm developed to predict the effect of missense changes on protein structure and function (PolyPhen-2) suggests that this variant is likely to be tolerated. In summary, the available evidence is currently insufficient to determine the role of this variant in disease. Therefore, it has been classified as a Variant of Uncertain Significance.